The following is an entry in ClinVar:

NM_012470.4(TNPO3):c.2358G>A (p.Leu786=)

Gene: TNPO3 (transportin 3; minus strand). Cytogenetic location: 7q32.1.
Variant type: single nucleotide variant.
Coding change: c.2358G>A on transcript NM_012470.4 (MANE Select); coding-DNA position 2358, G replaced by A.
Protein change: p.Leu786=; no amino-acid change (leucine 786 retained).
Molecular consequence: synonymous variant. On other transcripts: non-coding transcript variant (18).
Genome position (GRCh38, 1-based): chr7:128,972,498, C>T on the plus strand (G>A on the coding strand, the complement: TNPO3 is on the minus strand). VCF-style: chr7-128972498-C-T. GRCh37 (hg19) VCF-style: chr7-128612552-C-T.
Other names: p.Leu786=; c.2166G>A, p.Leu722= (NM_001191028.3, NM_001382223.1); c.2460G>A, p.Leu820= (NM_001382216.1); c.2439G>A, p.Leu813= (NM_001382217.1); c.2358G>A, p.Leu786= (NM_001382218.1); c.2250G>A, p.Leu750= (NM_001382219.1); c.2217G>A, p.Leu739= (NM_001382220.1); c.2214G>A, p.Leu738= (NM_001382221.1); and 1 more.
Identifiers: ClinVar variation 260264 (VCV000260264.12), dbSNP rs11538884, ClinGen allele CA4477886.

ClinVar aggregate classification (germline): Benign. Review status: criteria provided, multiple submitters, no conflicts (2 of 4 stars). 5 submissions from 5 submitters: Benign (5). Last evaluated 2026-02-01.

Conditions:
Autosomal dominant limb-girdle muscular dystrophy type 1F (LGMDD2). Also called: Limb-girdle muscular dystrophy, type 1F; MUSCULAR DYSTROPHY, LIMB-GIRDLE, AUTOSOMAL DOMINANT 2. Identifiers: Orphanet 55595, MedGen C1842062, MONDO:0012034, OMIM 608423.

Allele frequency attached by ClinVar (database versions not stated): gnomAD 0.04242 and 0.04443; ESP Exome Variant Server 0.03860; ExAC 0.05268; gnomAD exomes 0.04810 and 0.05214; TOPMed 0.03604; 1000 Genomes Project 30x 0.04763; 1000 Genomes Project 0.04972.
gnomAD v4.1: 77,017 of 1,613,690 alleles (4.8%); highest among the groups gnomAD compares: East Asian, 7.9%; 2,242 homozygotes.

Submissions (5):

Labcorp Genetics (formerly Invitae), Labcorp
Classification: Benign for Autosomal dominant limb-girdle muscular dystrophy type 1F. Last evaluated: 2026-02-01. Review status: criteria provided, single submitter. Criteria: Invitae Variant Classification Sherloc (09022015). Collection method: clinical testing. Allele origin: germline.

Mayo Clinic Laboratories, Mayo Clinic
Classification: Benign. Last evaluated: 2017-10-10. Review status: criteria provided, single submitter. Criteria: ACMG Guidelines, 2015. Collection method: clinical testing. Allele origin: germline. Observed: 57 variant alleles.

GeneDx
Classification: Benign. Last evaluated: 2016-02-26. Review status: criteria provided, single submitter. Criteria: GeneDx Variant Classification (06012015). Collection method: clinical testing. Allele origin: germline. Affected: yes.
Comment: This variant is considered likely benign or benign based on one or more of the following criteria: it is a conservative change, it occurs at a poorly conserved position in the protein, it is predicted to be benign by multiple in silico algorithms, and/or has population frequency not consistent with disease.

Breakthrough Genomics
Classification: Benign. Review status: criteria provided, single submitter. Criteria: ACMG Guidelines, 2015. Collection method: not provided. Allele origin: germline. Inheritance: Autosomal dominant inheritance. Affected: yes.

PreventionGenetics, part of Exact Sciences
Classification: Benign. Review status: criteria provided, single submitter. Criteria: ACMG Guidelines, 2015. Collection method: clinical testing. Allele origin: germline.